The following is an entry in ClinVar:

NM_000031.6(ALAD):c.520C>G (p.Arg174Gly)

Gene: ALAD (aminolevulinate dehydratase; minus strand). Cytogenetic location: 9q32.
Variant type: single nucleotide variant.
Coding change: c.520C>G on transcript NM_000031.6 (MANE Select); coding-DNA position 520, C replaced by G.
Protein change: p.Arg174Gly; replaces arginine 174 with glycine.
Molecular consequence: missense variant.
Genome position (GRCh38, 1-based): chr9:113,390,455, G>C on the plus strand (C>G on the coding strand, the complement: ALAD is on the minus strand). VCF-style: chr9-113390455-G-C. GRCh37 (hg19) VCF-style: chr9-116152735-G-C.
Other names: c.607C>G, p.Arg203Gly (NM_001003945.3); c.496C>G, p.Arg166Gly (NM_001317745.2); c.520C>G (NM_000031.5); short protein forms R166G, R174G, R203G.
Identifiers: ClinVar variation 1448092 (VCV001448092.6), dbSNP rs758622234, ClinGen allele CA5196465.

ClinVar aggregate classification (germline): Uncertain significance. Review status: criteria provided, multiple submitters, no conflicts (2 of 4 stars). 2 submissions from 2 submitters: Uncertain significance (2). Last evaluated 2026-02-02.

Conditions:
ALAD-related disorder. Also called: ALAD-related condition.

gnomAD v4.1: 18 of 1,613,962 alleles (0.0011%); highest among the groups gnomAD compares: Admixed American, 0.0017%; no homozygotes.

Submissions (2):

PreventionGenetics, part of Exact Sciences
Classification: Uncertain significance for ALAD-related condition. Last evaluated: 2026-02-02. Review status: criteria provided, single submitter. Criteria: ACMG Guidelines, 2015. Collection method: clinical testing. Allele origin: germline.
Comment: The ALAD c.520C>G variant is predicted to result in the amino acid substitution p.Arg174Gly. To our knowledge, this variant has not been reported in the literature. This variant is reported in 0.0023% of alleles in individuals of European (Non-Finnish) descent in gnomAD. At this time, the clinical significance of this variant is uncertain due to the absence of conclusive functional and genetic evidence.

Labcorp Genetics (formerly Invitae), Labcorp
Classification: Uncertain significance. Last evaluated: 2021-08-28. Review status: criteria provided, single submitter. Criteria: Invitae Variant Classification Sherloc (09022015). Collection method: clinical testing. Allele origin: germline.
Comment: This sequence change replaces arginine with glycine at codon 174 of the ALAD protein (p.Arg174Gly). The arginine residue is highly conserved and there is a moderate physicochemical difference between arginine and glycine. This variant is present in population databases (rs758622234, ExAC 0.002%). This variant has not been reported in the literature in individuals affected with ALAD-related conditions. Algorithms developed to predict the effect of missense changes on protein structure and function (SIFT, PolyPhen-2, Align-GVGD) all suggest that this variant is likely to be disruptive. In summary, the available evidence is currently insufficient to determine the role of this variant in disease. Therefore, it has been classified as a Variant of Uncertain Significance.